The following is an entry in ClinVar:

ClinVar aggregate classification (germline): Likely pathogenic (1 of 4 stars; one submission).

Conditions:
Hypophosphatasia. Also called: Phosphoethanol-aminuria. Identifiers: Orphanet 436, MedGen C0020630, MeSH D007014, MONDO:0018570.

Submission:

Genomenon, Inc
Classification: Likely pathogenic for Hypophosphatasia. Last evaluated: 2025-08-29. Review status: criteria provided, single submitter. Criteria: Genomenon Sequence Variant Interpretation Standards. Collection method: curation. Allele origin: germline. Affected: yes.
Comment: ALPL c.889T>C is a missense variant that changes the amino acid at residue 297 from Tyrosine to Histidine. This variant has been observed in at least one proband affected with hypophosphatasia (PMID:19263084). It has been observed in trans with a pathogenic variant (PMID:19263084). This variant has been described as Tyr280His in the literature. It is absent or not present at a significant frequency in gnomAD. In silico models agree that this variant is possibly or probably damaging. In conclusion, we classify ALPL p.Tyr297His (c.889T>C) as a likely pathogenic variant.

Literature cited by the submitters: PubMed 19263084.

NM_000478.6(ALPL):c.889T>C (p.Tyr297His)

Gene: ALPL (alkaline phosphatase, biomineralization associated; plus strand). Cytogenetic location: 1p36.12.
Variant type: single nucleotide variant.
Coding change: c.889T>C on transcript NM_000478.6 (MANE Select); coding-DNA position 889, T replaced by C.
Protein change: p.Tyr297His; replaces tyrosine 297 with histidine.
Molecular consequence: missense variant.
Genome position (GRCh38, 1-based): chr1:21,573,691, T>C. VCF-style: chr1-21573691-T-C. GRCh37 (hg19) VCF-style: chr1-21900184-T-C.
Other names: c.889T>C, p.Tyr297His (NM_001369804.2, NM_001369805.2, NM_001369803.2); c.724T>C, p.Tyr242His (NM_001127501.4); c.658T>C, p.Tyr220His (NM_001177520.3); short protein forms Y220H, Y242H, Y297H.
Identifiers: ClinVar variation 4086846 (VCV004086846.1).